The following is an entry in ClinVar:

ClinVar aggregate classification (germline): Benign/Likely benign. Review status: criteria provided, multiple submitters, no conflicts (2 of 4 stars). 5 submissions from 5 submitters: Benign (1); Likely benign (4). Last evaluated 2026-09-01.

Allele frequency attached by ClinVar (database versions not stated): gnomAD 0.00300 and 0.00304; ESP Exome Variant Server 0.00361; gnomAD exomes 0.00411; 1000 Genomes Project 0.00200; 1000 Genomes Project 30x 0.00219; ExAC 0.00258.
gnomAD v4.1: 6,393 of 1,603,652 alleles (0.4%); highest among the groups gnomAD compares: Non-Finnish European, 0.49%; 17 homozygotes.

Submissions (5):

CeGaT Center for Human Genetics Tuebingen
Classification: Likely benign. Last evaluated: 2026-09-01. Review status: criteria provided, single submitter. Criteria: CeGaT Center For Human Genetics Tuebingen Variant Classification Criteria Version 2. Collection method: clinical testing. Allele origin: germline. Affected: yes. Observed: 4 variant alleles.
Comment: TRIOBP: BP4, BS2

Labcorp Genetics (formerly Invitae), Labcorp
Classification: Benign. Last evaluated: 2026-01-12. Review status: criteria provided, single submitter. Criteria: Invitae Variant Classification Sherloc (09022015). Collection method: clinical testing. Allele origin: germline.

Blueprint Genetics
Classification: Likely benign. Last evaluated: 2024-11-28. Review status: criteria provided, single submitter. Criteria: ACMG Guidelines, 2015. Collection method: clinical testing. Allele origin: germline.

GeneDx
Classification: Likely benign. Last evaluated: 2020-02-04. Review status: criteria provided, single submitter. Criteria: GeneDx Variant Classification Process June 2021. Collection method: clinical testing. Allele origin: germline. Affected: yes.
Comment: This variant is associated with the following publications: (PMID: 29551606)

Eurofins Ntd Llc (ga)
Classification: Likely benign. Last evaluated: 2018-04-18. Review status: criteria provided, single submitter. Criteria: EGL ClinVar v180209 classification definitions. Collection method: clinical testing. Allele origin: germline. Observed: 3 variant alleles, 3 heterozygotes.

NM_001039141.3(TRIOBP):c.2105A>G (p.Gln702Arg)

Gene: TRIOBP (TRIO and F-actin binding protein; plus strand). Cytogenetic location: 22q13.1.
Variant type: single nucleotide variant.
Coding change: c.2105A>G on transcript NM_001039141.3 (MANE Select); coding-DNA position 2105, A replaced by G.
Protein change: p.Gln702Arg; replaces glutamine 702 with arginine.
Molecular consequence: missense variant.
Genome position (GRCh38, 1-based): chr22:37,724,661, A>G. VCF-style: chr22-37724661-A-G. GRCh37 (hg19) VCF-style: chr22-38120668-A-G.
Other names: short protein forms Q702R.
Identifiers: ClinVar variation 596785 (VCV000596785.39), dbSNP rs202079450, ClinGen allele CA10223793.
Genomic context (GRCh38, chr22:37,724,661, plus strand): 5'-CCAGAGCCTCCTCTCCCAGCAGAACCATCCAACAAGAGAACCCCAGAACATCCTGTGCCC[A>G]ACGGGACGATCCCAGAGCCTCCTCTCCTAACAGAACCACCCAACAAGAGAACCCCAGAAC-3'
Protein context (NP_001034230.1, residues 692-712): QQENPRTSCA[Gln702Arg]RDDPRASSPN